The following is an entry in ClinVar:

NM_007194.4(CHEK2):c.1542+3A>G

Gene: CHEK2 (checkpoint kinase 2; minus strand). Cytogenetic location: 22q12.1.
Variant type: single nucleotide variant.
Coding change: c.1542+3A>G on transcript NM_007194.4 (MANE Select); 3 bases into the intron after coding-DNA position 1542, A replaced by G.
Molecular consequence: intron variant.
Genome position (GRCh38, 1-based): chr22:28,689,132, T>C on the plus strand (A>G on the coding strand, the complement: CHEK2 is on the minus strand). VCF-style: chr22-28689132-T-C. GRCh37 (hg19) VCF-style: chr22-29085120-T-C.
Other names: c.879+3A>G (NM_001437942.1, NM_001257387.3); c.1341+3A>G (NM_001349956.3); c.1455+3A>G (NM_145862.3); c.1548+3A>G (NM_001438295.1); c.1635+3A>G (NM_001438293.1); c.1584+3A>G (NM_001438294.1); c.1671+3A>G (NM_001005735.3).
Identifiers: ClinVar variation 410067 (VCV000410067.25), dbSNP rs1060502722, ClinGen allele CA16616566.

ClinVar aggregate classification (germline): Conflicting classifications of pathogenicity. Review status: criteria provided, conflicting classifications (1 of 4 stars). 7 submissions from 7 submitters: Likely pathogenic (2); Uncertain significance (5). Last evaluated 2025-12-05.

Conditions:
Hereditary cancer-predisposing syndrome. Also called: Tumor predisposition; Hereditary Cancer Syndrome; Hereditary neoplastic syndrome; Neoplastic Syndromes, Hereditary. Identifiers: Orphanet 140162, MedGen C0027672, MeSH D009386, MONDO:0015356.
Familial cancer of breast. Also called: BREAST CANCER, FAMILIAL; Hereditary breast cancer; hereditary breast carcinoma. Identifiers: Orphanet 227535, MedGen C0346153, MONDO:0016419, OMIM 114480. Disease mechanism: loss of function.

Submissions (7):

Ambry Genetics
Classification: Likely pathogenic for Hereditary cancer-predisposing syndrome. Last evaluated: 2025-12-05. Review status: criteria provided, single submitter. Criteria: Ambry Variant Classification Scheme 2023. Collection method: clinical testing. Allele origin: germline.
Comment: The c.1542+3A>G intronic variant results from an A to G substitution 3 nucleotides after coding exon 13 in the CHEK2 gene. This variant is considered to be rare based on population cohorts in the Genome Aggregation Database (gnomAD). This nucleotide position is highly conserved in available vertebrate species. In silico splice site analysis predicts that this alteration may result in the creation or strengthening of a novel splice donor site. RNA studies have demonstrated this alteration results in abnormal splicing in the set of samples tested (Ambry internal data; Sanoguera-Miralles L et al. Clin Chem. 2024 Jan;70(1):319-338). Based on the majority of available evidence to date, this variant is likely to be pathogenic.

Quest Diagnostics Nichols Institute San Juan Capistrano
Classification: Uncertain significance. Last evaluated: 2024-11-10. Review status: criteria provided, single submitter. Criteria: Quest Diagnostics criteria. Collection method: clinical testing. Allele origin: unknown.

Labcorp Genetics (formerly Invitae), Labcorp
Classification: Uncertain significance for Familial cancer of breast. Last evaluated: 2024-06-05. Review status: criteria provided, single submitter. Criteria: Invitae Variant Classification Sherloc (09022015). Collection method: clinical testing. Allele origin: germline.
Comment: This sequence change falls in intron 14 of the CHEK2 gene. It does not directly change the encoded amino acid sequence of the CHEK2 protein. It affects a nucleotide within the consensus splice site. This variant is not present in population databases (gnomAD no frequency). This variant has not been reported in the literature in individuals affected with CHEK2-related conditions. ClinVar contains an entry for this variant (Variation ID: 410067). Variants that disrupt the consensus splice site are a relatively common cause of aberrant splicing (PMID: 17576681, 9536098). Studies have shown that this variant is associated with altered splicing resulting in multiple RNA products (Invitae). In summary, the available evidence is currently insufficient to determine the role of this variant in disease. Therefore, it has been classified as a Variant of Uncertain Significance.

GeneDx
Classification: Likely pathogenic. Last evaluated: 2023-10-06. Review status: criteria provided, single submitter. Criteria: GeneDx Variant Classification Process June 2021. Collection method: clinical testing. Allele origin: germline. Affected: yes.
Comment: In silico analysis suggests this variant may impact gene splicing; Not observed at significant frequency in large population cohorts (gnomAD); Has not been previously published as pathogenic or benign to our knowledge

Baylor Genetics
Classification: Uncertain significance for Familial cancer of breast. Last evaluated: 2023-09-21. Review status: criteria provided, single submitter. Criteria: ACMG Guidelines, 2015. Collection method: clinical testing. Allele origin: unknown.

Color Diagnostics, LLC DBA Color Health
Classification: Uncertain significance for Hereditary cancer-predisposing syndrome. Last evaluated: 2021-07-27. Review status: criteria provided, single submitter. Criteria: ACMG Guidelines, 2015. Collection method: clinical testing. Allele origin: germline.
Comment: This variant causes an A>G nucleotide substitution at the +3 position of intron 14 of the CHEK2 gene. Splice site prediction tools predict that this variant may have a significant impact on RNA splicing. Although this prediction has not been confirmed in published RNA studies, this variant may result in an absent or disrupted protein product. To our knowledge, functional studies have not been performed for this variant. This variant has not been reported in individuals affected with hereditary cancer in the literature. This variant has not been identified in the general population by the Genome Aggregation Database (gnomAD). The available evidence is insufficient to determine the role of this variant in disease conclusively. Therefore, this variant is classified as a Variant of Uncertain Significance.

Women's Health and Genetics/Laboratory Corporation of America, LabCorp
Classification: Uncertain significance. Last evaluated: 2017-03-24. Review status: criteria provided, single submitter. Criteria: LabCorp Variant Classification Summary - May 2015. Collection method: clinical testing. Allele origin: germline.
Comment: Variant summary: c.1542+3A>G in CHEK2 gene is an intronic change that involves a mildly conserved nucleotide. 3/5 programs in Alamut predict that this variant will affect the normal splicing pattern, however no functional studies supporting this notion were published at the time of evaluation. The variant is absent from the control population datasets of ExAC and gnomAD and has not, to our knowledge, been reported in affected individuals in published reports or cited by reputable databases/clinical laboratories. Considering all, the variant was classified as VUS.

Literature cited by the submitters: PubMed 37725924 (cited by Ambry Genetics and Quest Diagnostics Nichols Institute San Juan Capistrano); PubMed 16798742 (cited by Quest Diagnostics Nichols Institute San Juan Capistrano); PubMed 30851065 (cited by Quest Diagnostics Nichols Institute San Juan Capistrano); PubMed 37352859 (cited by Quest Diagnostics Nichols Institute San Juan Capistrano); PubMed 38153744 (cited by Quest Diagnostics Nichols Institute San Juan Capistrano); PubMed 12909615 (cited by Quest Diagnostics Nichols Institute San Juan Capistrano); PubMed 17576681 (cited by Labcorp Genetics (formerly Invitae), Labcorp); PubMed 9536098 (cited by Labcorp Genetics (formerly Invitae), Labcorp).